The following is an entry in ClinVar:

NM_001321120.2(TBX4):c.1187C>G (p.Ser396Ter)

Gene: TBX4 (T-box transcription factor 4; plus strand). Cytogenetic location: 17q23.2.
Variant type: single nucleotide variant.
Coding change: c.1187C>G on transcript NM_001321120.2 (MANE Select); coding-DNA position 1187, C replaced by G.
Protein change: p.Ser396Ter; replaces serine 396 with a stop codon.
Molecular consequence: nonsense.
Genome position (GRCh38, 1-based): chr17:61,483,062, C>G. VCF-style: chr17-61483062-C-G. GRCh37 (hg19) VCF-style: chr17-59560423-C-G.
Other names: c.1184C>G, p.Ser395Ter (NM_018488.3); short protein forms S396*, S395*.
Identifiers: ClinVar variation 4996415 (VCV004996415.1).

ClinVar aggregate classification (germline): Likely pathogenic (1 of 4 stars; one submission).

Conditions:
TBX4-related disorder. Also called: TBX4-related condition; TBX4-related disorders.

Submission:

PreventionGenetics, part of Exact Sciences
Classification: Likely pathogenic for TBX4-related condition. Last evaluated: 2026-04-02. Review status: criteria provided, single submitter. Criteria: ACMG Guidelines, 2015. Collection method: clinical testing. Allele origin: germline.
Comment: The TBX4 c.1184C>G variant is predicted to result in premature protein termination (p.Ser395*). To our knowledge, this variant has not been reported in the literature or in a large population database (gnomAD), indicating this variant is rare. This variant is located in the last exon of TBX4 and predicted to result in a truncated variant. Nearby and downstream truncating changes have been reported causative for pulmonary arterial hypertension (Liu et al. 2019. PubMed ID: 31382961; Zhu et al. 2019. PubMed ID: 31727138). Nonsense variants in TBX4 are expected to be pathogenic. This variant is interpreted as likely pathogenic.